The following is an entry in ClinVar:

NM_173651.4(FSIP2):c.10440T>C (p.Tyr3480=)

Genes: FSIP2 (fibrous sheath interacting protein 2; plus strand), FSIP2-AS1 (FSIP2 antisense RNA 1; minus strand). Cytogenetic location: 2q32.1.
Variant type: single nucleotide variant.
Coding change: c.10440T>C on transcript NM_173651.4 (MANE Select); coding-DNA position 10440, T replaced by C.
Protein change: p.Tyr3480=; no amino-acid change (tyrosine 3480 retained).
Molecular consequence: synonymous variant.
Genome position (GRCh38, 1-based): chr2:185,799,746, T>C. VCF-style: chr2-185799746-T-C. GRCh37 (hg19) VCF-style: chr2-186664473-T-C.
Identifiers: ClinVar variation 3058958 (VCV003058958.2), dbSNP rs11686997, ClinGen allele CA2016914.

ClinVar aggregate classification (germline): Benign (0 of 4 stars; one submission).

Conditions:
FSIP2-related disorder. Also called: FSIP2-related condition.

Allele frequency attached by ClinVar (database versions not stated): TOPMed 0.53228; 1000 Genomes Project 30x 0.53904; 1000 Genomes Project 0.54073; gnomAD exomes 0.54112; gnomAD 0.54465; ExAC 0.62220.
gnomAD v4.1: 794,145 of 1,466,952 alleles (54%); highest among the groups gnomAD compares: South Asian, 64%; 216,701 homozygotes.

Submission:

PreventionGenetics, part of Exact Sciences
Classification: Benign for FSIP2-related condition. Last evaluated: 2019-10-17. Review status: no assertion criteria provided. Collection method: clinical testing. Allele origin: germline.
Comment: This variant is classified as benign based on ACMG/AMP sequence variant interpretation guidelines (Richards et al. 2015 PMID: 25741868, with internal and published modifications).